The following is an entry in ClinVar:

NM_001378183.1(PIEZO2):c.3840A>G (p.Ala1280=)

Gene: PIEZO2 (piezo type mechanosensitive ion channel component 2; minus strand). Cytogenetic location: 18p11.22.
Variant type: single nucleotide variant.
Coding change: c.3840A>G on transcript NM_001378183.1 (MANE Select); coding-DNA position 3840, A replaced by G.
Protein change: p.Ala1280=; no amino-acid change (alanine 1280 retained).
Molecular consequence: synonymous variant.
Genome position (GRCh38, 1-based): chr18:10,758,052, T>C on the plus strand (A>G on the coding strand, the complement: PIEZO2 is on the minus strand). VCF-style: chr18-10758052-T-C. GRCh37 (hg19) VCF-style: chr18-10758050-T-C.
Other names: c.3840A>G, p.Ala1280= (NM_001410871.1); c.3765A>G, p.Ala1255= (NM_022068.4); c.3765A>G (NM_022068.3).
Identifiers: ClinVar variation 2711584 (VCV002711584.5), dbSNP rs199707250, ClinGen allele CA296029159.
Genomic context (GRCh38, chr18:10,758,052, plus strand): 5'-AGGGTTATGTTGGCTGAAGGAGGCCGCATCAAGGTTCATGCAGATCTCGACATTGTCACC[T>C]GCCATGATTCGCACTGCAGCCTTGTTCTCATCCTCAAAAATCTGCCGTTGTAAGGAGGCA-3'
Protein context (NP_001365112.1, residues 1270-1290): DENKAAVRIM[Ala1280=]GDNVEICMNL

ClinVar aggregate classification (germline): Likely benign. Review status: criteria provided, single submitter (1 of 4 stars). 2 submissions from 2 submitters: Likely benign (1). 1 of the submissions does not count toward it. Last evaluated 2024-06-24.

Conditions:
PIEZO2-related disorder. Also called: PIEZO2-related condition; PIEZO2-related disorders.

Allele frequency attached by ClinVar (database versions not stated): gnomAD 0.00004; TOPMed 0.00006; gnomAD exomes 0.00007.

Submissions (2):

Labcorp Genetics (formerly Invitae), Labcorp
Classification: Likely benign. Last evaluated: 2024-06-24. Review status: criteria provided, single submitter. Criteria: Invitae Variant Classification Sherloc (09022015). Collection method: clinical testing. Allele origin: germline.

PreventionGenetics, part of Exact Sciences
Classification: Likely benign for PIEZO2-related condition. Last evaluated: 2019-09-11. Review status: no assertion criteria provided. Collection method: clinical testing. Allele origin: germline. Not counted in ClinVar's aggregate classification.
Comment: This variant is classified as likely benign based on ACMG/AMP sequence variant interpretation guidelines (Richards et al. 2015 PMID: 25741868, with internal and published modifications).